The following is an entry in ClinVar:

ClinVar aggregate classification (germline): Conflicting classifications of pathogenicity. Review status: criteria provided, conflicting classifications (1 of 4 stars). 3 submissions from 3 submitters: Uncertain significance (1); Benign (1). 1 of the submissions does not count toward it. Last evaluated 2024-12-16.

Conditions:
Primary ciliary dyskinesia. Also called: Ciliary dyskinesia. Identifiers: Orphanet 244, MedGen C0008780, MONDO:0016575, HP:0012265.
OFD1-related disorder. Also called: OFD1-related condition.
Orofaciodigital syndrome I (OFD1). Also called: OFDS I; Papillon-Leage and Psaume Syndrome; Oral-Facial-Digital Syndrome Type I. Identifiers: Orphanet 2750, MedGen C1510460, MONDO:0010702, OMIM 311200.
Joubert syndrome. Also called: JOUBERT-BOLTSHAUSER SYNDROME; Familial aplasia of the vermis. Identifiers: Orphanet 475, MedGen C5979921, MONDO:0018772.

Allele frequency attached by ClinVar (database versions not stated): ExAC 0.00002; gnomAD 0.00002; TOPMed 0.00002.
gnomAD v4.1: 17 of 1,210,014 alleles (0.0014%); highest among the groups gnomAD compares: South Asian, 0.007%; no homozygotes.

Submissions (3):

Labcorp Genetics (formerly Invitae), Labcorp
Classification: Benign for Orofaciodigital syndrome I; Joubert syndrome. Last evaluated: 2024-12-16. Review status: criteria provided, single submitter. Criteria: Invitae Variant Classification Sherloc (09022015). Collection method: clinical testing. Allele origin: germline.

Ambry Genetics
Classification: Uncertain significance for Primary ciliary dyskinesia. Last evaluated: 2023-12-16. Review status: criteria provided, single submitter. Criteria: Ambry Variant Classification Scheme 2023. Collection method: clinical testing. Allele origin: germline.

PreventionGenetics, part of Exact Sciences
Classification: Likely benign for OFD1-related condition. Last evaluated: 2024-01-09. Review status: no assertion criteria provided. Collection method: clinical testing. Allele origin: germline. Not counted in ClinVar's aggregate classification.
Comment: This variant is classified as likely benign based on ACMG/AMP sequence variant interpretation guidelines (Richards et al. 2015 PMID: 25741868, with internal and published modifications).

NM_003611.3(OFD1):c.1837A>G (p.Thr613Ala)

Gene: OFD1 (OFD1 centriole and centriolar satellite protein; plus strand). Cytogenetic location: Xp22.2.
Variant type: single nucleotide variant.
Coding change: c.1837A>G on transcript NM_003611.3 (MANE Select); coding-DNA position 1837, A replaced by G.
Protein change: p.Thr613Ala; replaces threonine 613 with alanine.
Molecular consequence: missense variant.
Genome position (GRCh38, 1-based): chrX:13,760,297, A>G. VCF-style: chrX-13760297-A-G. GRCh37 (hg19) VCF-style: chrX-13778416-A-G.
Other names: c.1837A>G (NM_003611.2); c.1717A>G, p.Thr573Ala (NM_001330209.2); c.1417A>G, p.Thr473Ala (NM_001330210.2); short protein forms T473A, T573A, T613A.
Identifiers: ClinVar variation 1580880 (VCV001580880.11), dbSNP rs775062213, ClinGen allele CA10351895.